The following is an entry in ClinVar:

ClinVar aggregate classification (germline): Uncertain significance (1 of 4 stars; one submission).

Submission:

GeneDx
Classification: Uncertain significance. Last evaluated: 2026-09-29. Review status: criteria provided, single submitter. Criteria: GeneDx Variant Classification Process June 2021. Collection method: clinical testing. Allele origin: germline.
Comment: Has not been previously published as pathogenic or benign to our knowledge; Not observed at significant frequency in large population cohorts (gnomAD); In silico analysis supports that this missense variant has a deleterious effect on protein structure/function

NM_022575.4(VPS16):c.1410C>G (p.Cys470Trp)

Gene: VPS16 (VPS16 core subunit of CORVET and HOPS complexes; plus strand). Cytogenetic location: 20p13.
Variant type: single nucleotide variant.
Coding change: c.1410C>G on transcript NM_022575.4 (MANE Select); coding-DNA position 1410, C replaced by G.
Protein change: p.Cys470Trp; replaces cysteine 470 with tryptophan.
Molecular consequence: missense variant.
Genome position (GRCh38, 1-based): chr20:2,863,332, C>G. VCF-style: chr20-2863332-C-G. GRCh37 (hg19) VCF-style: chr20-2843978-C-G.
Other names: c.978C>G, p.Cys326Trp (NM_080413.3); short protein forms C326W, C470W.
Identifiers: ClinVar variation 3899073 (VCV003899073.3).